The following is an entry in ClinVar:

ClinVar aggregate classification (germline): Uncertain significance. Review status: criteria provided, multiple submitters, no conflicts (2 of 4 stars). 2 submissions from 2 submitters: Uncertain significance (2). Last evaluated 2025-08-04.

gnomAD v4.1: 46 of 1,612,252 alleles (0.0029%); highest among the groups gnomAD compares: Middle Eastern, 0.033%; no homozygotes.

Submissions (2):

Ambry Genetics
Classification: Uncertain significance. Last evaluated: 2025-08-04. Review status: criteria provided, single submitter. Criteria: Ambry Variant Classification Scheme 2023. Collection method: clinical testing. Allele origin: germline.

Labcorp Genetics (formerly Invitae), Labcorp
Classification: Uncertain significance. Last evaluated: 2024-12-25. Review status: criteria provided, single submitter. Criteria: Invitae Variant Classification Sherloc (09022015). Collection method: clinical testing. Allele origin: germline.
Comment: This sequence change replaces arginine, which is basic and polar, with tryptophan, which is neutral and slightly polar, at codon 527 of the EXOC6B protein (p.Arg527Trp). This variant is present in population databases (rs528718114, gnomAD 0.02%). This variant has not been reported in the literature in individuals affected with EXOC6B-related conditions. Experimental studies and prediction algorithms are not available or were not evaluated, and the functional significance of this variant is currently unknown. In summary, the available evidence is currently insufficient to determine the role of this variant in disease. Therefore, it has been classified as a Variant of Uncertain Significance.

NM_015189.3(EXOC6B):c.1579C>T (p.Arg527Trp)

Gene: EXOC6B (exocyst complex component 6B; minus strand). Cytogenetic location: 2p13.2.
Variant type: single nucleotide variant.
Coding change: c.1579C>T on transcript NM_015189.3 (MANE Select); coding-DNA position 1579, C replaced by T.
Protein change: p.Arg527Trp; replaces arginine 527 with tryptophan.
Molecular consequence: missense variant. On other transcripts: non-coding transcript variant (2).
Genome position (GRCh38, 1-based): chr2:72,492,404, G>A on the plus strand (C>T on the coding strand, the complement: EXOC6B is on the minus strand). VCF-style: chr2-72492404-G-A. GRCh37 (hg19) VCF-style: chr2-72719533-G-A.
Other names: c.1579C>T, p.Arg527Trp (NM_001321731.2, NM_001321733.2, NM_001321729.2 and 1 more transcripts); c.1240C>T, p.Arg414Trp (NM_001321734.2); c.1579C>T (NM_015189.1); short protein forms R414W, R527W.
Identifiers: ClinVar variation 3605352 (VCV003605352.3).